The following is an entry in ClinVar:

ClinVar aggregate classification (germline): Benign (1 of 4 stars; one submission).

Conditions:
Telangiectasia, hereditary hemorrhagic, type 2 (HHT2). Also called: ACVRL1-Related Hereditary Hemorrhagic Telangiectasia; Telangiectasia, hereditary hemorrhagic, type II. Identifiers: Orphanet 774, MedGen C1838163, MONDO:0010880, OMIM 600376. Disease mechanism: loss of function.

Allele frequency attached by ClinVar (database versions not stated): gnomAD 0.01461 and 0.01556; TOPMed 0.01624; 1000 Genomes Project 0.01937; 1000 Genomes Project 30x 0.02077.

Submission:

Illumina Laboratory Services, Illumina
Classification: Benign for Telangiectasia, hereditary hemorrhagic, type 2. Last evaluated: 2018-01-13. Review status: criteria provided, single submitter. Criteria: ICSL Variant Classification Criteria 13 December 2019. Collection method: clinical testing. Allele origin: germline.
Comment: This variant was observed in the ICSL laboratory as part of a predisposition screen in an ostensibly healthy population. It had not been previously curated by ICSL or reported in the Human Gene Mutation Database (HGMD: prior to June 1st, 2018), and was therefore a candidate for classification through an automated scoring system. Utilizing variant allele frequency, disease prevalence and penetrance estimates, and inheritance mode, an automated score was calculated to assess if this variant is too frequent to cause the disease. Based on the score and internal cut-off values, a variant classified as benign is not then subjected to further curation. The score for this variant resulted in a classification of benign for this disease.

NM_000020.3(ACVRL1):c.*2422A>G

Gene: ACVRL1 (activin A receptor like type 1; plus strand). Cytogenetic location: 12q13.13.
Variant type: single nucleotide variant.
Coding change: c.*2422A>G on transcript NM_000020.3 (MANE Select); 2422 bases downstream of the stop codon, A replaced by G.
Molecular consequence: 3 prime UTR variant.
Genome position (GRCh38, 1-based): chr12:51,923,315, A>G. VCF-style: chr12-51923315-A-G. GRCh37 (hg19) VCF-style: chr12-52317099-A-G.
Other names: c.*2422A>G (NM_001077401.2).
Identifiers: ClinVar variation 309485 (VCV000309485.5), dbSNP rs706820, ClinGen allele CA10641842.